The following is an entry in ClinVar:

ClinVar aggregate classification (germline): Conflicting classifications of pathogenicity. Review status: criteria provided, conflicting classifications (1 of 4 stars). 4 submissions from 4 submitters: Uncertain significance (1); Likely benign (2). 1 of the submissions does not count toward it. Last evaluated 2025-04-19.

Conditions:
ABCG8-related disorder. Also called: ABCG8-related condition.
Cardiovascular phenotype. Identifiers: MedGen CN230736.

Allele frequency attached by ClinVar (database versions not stated): gnomAD exomes 0.00001 and 0.00003; TOPMed 0.00001; gnomAD 0.00001; ExAC 0.00005; ESP Exome Variant Server 0.00008.
gnomAD v4.1: 10 of 1,614,060 alleles (0.00062%); highest among the groups gnomAD compares: East Asian, 0.0022%; no homozygotes.

Submissions (4):

Labcorp Genetics (formerly Invitae), Labcorp
Classification: Likely benign. Last evaluated: 2025-04-19. Review status: criteria provided, single submitter. Criteria: Invitae Variant Classification Sherloc (09022015). Collection method: clinical testing. Allele origin: germline.

Ambry Genetics
Classification: Likely benign for Cardiovascular phenotype. Last evaluated: 2022-12-17. Review status: criteria provided, single submitter. Criteria: Ambry Variant Classification Scheme 2023. Collection method: clinical testing. Allele origin: germline.

Eurofins Ntd Llc (ga)
Classification: Uncertain significance. Last evaluated: 2018-04-10. Review status: criteria provided, single submitter. Criteria: EGL ClinVar v180209 classification definitions. Collection method: clinical testing. Allele origin: germline. Observed: 1 variant allele, 1 heterozygote.

PreventionGenetics, part of Exact Sciences
Classification: Likely benign for ABCG8-related condition. Last evaluated: 2022-12-07. Review status: no assertion criteria provided. Collection method: clinical testing. Allele origin: germline. Not counted in ClinVar's aggregate classification.
Comment: This variant is classified as likely benign based on ACMG/AMP sequence variant interpretation guidelines (Richards et al. 2015 PMID: 25741868, with internal and published modifications).

NM_022437.3(ABCG8):c.1923C>T (p.Tyr641=)

Gene: ABCG8 (ATP binding cassette subfamily G member 8; plus strand). Cytogenetic location: 2p21.
Variant type: single nucleotide variant.
Coding change: c.1923C>T on transcript NM_022437.3 (MANE Select); coding-DNA position 1923, C replaced by T.
Protein change: p.Tyr641=; no amino-acid change (tyrosine 641 retained).
Molecular consequence: synonymous variant.
Genome position (GRCh38, 1-based): chr2:43,877,814, C>T. VCF-style: chr2-43877814-C-T. GRCh37 (hg19) VCF-style: chr2-44104953-C-T.
Other names: c.1923C>T (NM_022437.2); c.1920C>T, p.Tyr640= (NM_001357321.2).
Identifiers: ClinVar variation 596841 (VCV000596841.12), dbSNP rs369023184, ClinGen allele CA1637725.